The following is an entry in ClinVar:

NM_001482.3(GATM):c.107T>A (p.Phe36Tyr)

Gene: GATM (glycine amidinotransferase; minus strand). Cytogenetic location: 15q21.1.
Variant type: single nucleotide variant.
Coding change: c.107T>A on transcript NM_001482.3 (MANE Select); coding-DNA position 107, T replaced by A.
Protein change: p.Phe36Tyr; replaces phenylalanine 36 with tyrosine.
Molecular consequence: missense variant. On other transcripts: 5 prime UTR variant (1).
Genome position (GRCh38, 1-based): chr15:45,376,782, A>T on the plus strand (T>A on the coding strand, the complement: GATM is on the minus strand). VCF-style: chr15-45376782-A-T. GRCh37 (hg19) VCF-style: chr15-45668980-A-T.
Other names: c.-281T>A (NM_001321015.2); short protein forms F36Y.
Identifiers: ClinVar variation 3704940 (VCV003704940.2).

ClinVar aggregate classification (germline): Uncertain significance (1 of 4 stars; one submission).

Conditions:
Arginine:glycine amidinotransferase deficiency (CCDS3). Also called: AGAT deficiency; L-Arginine:Glycine Amidinotransferase Deficiency; Creatine deficiency syndrome due to AGAT deficiency; GATM deficiency; L-Arginine:Glycine Amidinotransferase (AGAT) Deficiency; Cerebral creatine deficiency syndrome 3. Identifiers: Orphanet 35704, MedGen C2675179, MONDO:0012996, OMIM 612718.

gnomAD v4.1: 1 of 1,614,128 alleles (0.000062%); highest among the groups gnomAD compares: Admixed American, 0.0017%; no homozygotes.

Submission:

Labcorp Genetics (formerly Invitae), Labcorp
Classification: Uncertain significance for Arginine:glycine amidinotransferase deficiency. Last evaluated: 2024-07-20. Review status: criteria provided, single submitter. Criteria: Invitae Variant Classification Sherloc (09022015). Collection method: clinical testing. Allele origin: germline.
Comment: This sequence change replaces phenylalanine, which is neutral and non-polar, with tyrosine, which is neutral and polar, at codon 36 of the GATM protein (p.Phe36Tyr). This variant is present in population databases (no rsID available, gnomAD 0.003%). This variant has not been reported in the literature in individuals affected with GATM-related conditions. An algorithm developed to predict the effect of missense changes on protein structure and function (PolyPhen-2) suggests that this variant is likely to be tolerated. In summary, the available evidence is currently insufficient to determine the role of this variant in disease. Therefore, it has been classified as a Variant of Uncertain Significance.